The following is an entry in ClinVar:

ClinVar aggregate classification (germline): Likely pathogenic (1 of 4 stars; one submission).

Submission:

Labcorp Genetics (formerly Invitae), Labcorp
Classification: Likely pathogenic. Last evaluated: 2021-04-17. Review status: criteria provided, single submitter. Criteria: Invitae Variant Classification Sherloc (09022015). Collection method: clinical testing. Allele origin: germline.
Comment: In summary, the currently available evidence indicates that the variant is pathogenic, but additional data are needed to prove that conclusively. Therefore, this variant has been classified as Likely Pathogenic. This variant has not been reported in the literature in individuals with USH2A-related conditions. This variant results in a copy number gain of the genomic region encompassing exon(s) 52-56 of the USH2A gene. While the exact position of this variant cannot be determined from the data, sub-genic copy number gains are generally in tandem (PMID: 25640679). This variant is predicted to be out-of-frame, and may result in an absent or disrupted protein product. Loss-of-function variants in USH2A are known to be pathogenic (PMID: 10729113, 10909849, 20507924, 25649381).

Literature cited by the submitters: PubMed 25640679; PubMed 10729113; PubMed 10909849; PubMed 20507924; PubMed 25649381.

NC_000001.10:g.(?_215940013)_(215960226_?)dup

Gene: USH2A (usherin; minus strand). Cytogenetic location: 1q41.
Variant type: Duplication.
Identifiers: ClinVar variation 1349945 (VCV001349945.4).